The following is an entry in ClinVar:

NM_000037.4(ANK1):c.4800G>A (p.Trp1600Ter)

Gene: ANK1 (ankyrin 1; minus strand). Cytogenetic location: 8p11.21.
Variant type: single nucleotide variant.
Coding change: c.4800G>A on transcript NM_000037.4 (MANE Select); coding-DNA position 4800, G replaced by A.
Protein change: p.Trp1600Ter; replaces tryptophan 1600 with a stop codon.
Molecular consequence: nonsense. On other transcripts: intron variant (1).
Genome position (GRCh38, 1-based): chr8:41,672,650, C>T on the plus strand (G>A on the coding strand, the complement: ANK1 is on the minus strand). VCF-style: chr8-41672650-C-T. GRCh37 (hg19) VCF-style: chr8-41530168-C-T.
Other names: c.4923G>A, p.Trp1641Ter (NM_001142446.2); c.4800G>A, p.Trp1600Ter (NM_020475.3, NM_020476.3); c.4538-224G>A (NM_020477.3); short protein forms W1641*, W1600*.
Identifiers: ClinVar variation 2131141 (VCV002131141.5), dbSNP rs2487638186, ClinGen allele CA371054200.
Genomic context (GRCh38, chr8:41,672,650, plus strand): 5'-AAGTTCCAGAGAGCCCAACTCGGGGCCCCGCGGTTCCTCTGAGAGTGCCCCCTCCAACTT[C>T]CACTCGTGACCTGTGGCATCAGAGTCCTCAGCCTTGCTACACTCCAGAGAGGAGTCCTCA-3'

ClinVar aggregate classification (germline): Pathogenic/Likely pathogenic. Review status: criteria provided, multiple submitters, no conflicts (2 of 4 stars). 2 submissions from 2 submitters: Pathogenic (1); Likely pathogenic (1). Last evaluated 2022-07-08.

Conditions:
ANK1-related disorder. Also called: ANK1-related condition.

Submissions (2):

Labcorp Genetics (formerly Invitae), Labcorp
Classification: Pathogenic. Last evaluated: 2022-07-08. Review status: criteria provided, single submitter. Criteria: Invitae Variant Classification Sherloc (09022015). Collection method: clinical testing. Allele origin: germline.
Comment: This sequence change creates a premature translational stop signal (p.Trp1600*) in the ANK1 gene. It is expected to result in an absent or disrupted protein product. Loss-of-function variants in ANK1 are known to be pathogenic (PMID: 8640229). This variant is not present in population databases (gnomAD no frequency). This variant has not been reported in the literature in individuals affected with ANK1-related conditions. For these reasons, this variant has been classified as Pathogenic.

Blueprint Genetics
Classification: Likely pathogenic for ANK1-related disorders. Last evaluated: 2019-02-08. Review status: criteria provided, single submitter. Criteria: ACMG Guidelines, 2015. Collection method: clinical testing. Allele origin: germline. Affected: yes. Observed: 1 variant allele.

Literature cited by the submitters: PubMed 8640229 (cited by Labcorp Genetics (formerly Invitae), Labcorp).